The following is an entry in ClinVar:

NM_018003.4(UACA):c.1113T>C (p.Asn371=)

Gene: UACA (uveal autoantigen with coiled-coil domains and ankyrin repeats; minus strand). Cytogenetic location: 15q23.
Variant type: single nucleotide variant.
Coding change: c.1113T>C on transcript NM_018003.4 (MANE Select); coding-DNA position 1113, T replaced by C.
Protein change: p.Asn371=; no amino-acid change (asparagine 371 retained).
Molecular consequence: synonymous variant.
Genome position (GRCh38, 1-based): chr15:70,676,511, A>G on the plus strand (T>C on the coding strand, the complement: UACA is on the minus strand). VCF-style: chr15-70676511-A-G. GRCh37 (hg19) VCF-style: chr15-70968850-A-G.
Other names: c.1074T>C, p.Asn358= (NM_001008224.3).
Identifiers: ClinVar variation 3056160 (VCV003056160.2), dbSNP rs61741196, ClinGen allele CA7637249.

ClinVar aggregate classification (germline): Benign (0 of 4 stars; one submission).

Conditions:
UACA-related disorder. Also called: UACA-related condition.

Allele frequency attached by ClinVar (database versions not stated): gnomAD exomes 0.00106; ExAC 0.00348; 1000 Genomes Project 0.00978; 1000 Genomes Project 30x 0.01062; gnomAD 0.01093; ESP Exome Variant Server 0.01094; TOPMed 0.01222.
gnomAD v4.1: 3,232 of 1,611,090 alleles (0.2%); highest among the groups gnomAD compares: African/African-American, 3.9%; 57 homozygotes.

Submission:

PreventionGenetics, part of Exact Sciences
Classification: Benign for UACA-related condition. Last evaluated: 2019-04-30. Review status: no assertion criteria provided. Collection method: clinical testing. Allele origin: germline.
Comment: This variant is classified as benign based on ACMG/AMP sequence variant interpretation guidelines (Richards et al. 2015 PMID: 25741868, with internal and published modifications).